The following is an entry in ClinVar:

ClinVar aggregate classification (germline): Uncertain significance (1 of 4 stars; one submission).

gnomAD v4.1: 12 of 1,613,044 alleles (0.00074%); highest among the groups gnomAD compares: Non-Finnish European, 0.001%; no homozygotes.

Submission:

Labcorp Genetics (formerly Invitae), Labcorp
Classification: Uncertain significance. Last evaluated: 2024-12-25. Review status: criteria provided, single submitter. Criteria: Invitae Variant Classification Sherloc (09022015). Collection method: clinical testing. Allele origin: germline.
Comment: This sequence change replaces glutamine, which is neutral and polar, with lysine, which is basic and polar, at codon 1117 of the MYO3A protein (p.Gln1117Lys). This variant is not present in population databases (gnomAD no frequency). This variant has not been reported in the literature in individuals affected with MYO3A-related conditions. Invitae Evidence Modeling of protein sequence and biophysical properties (such as structural, functional, and spatial information, amino acid conservation, physicochemical variation, residue mobility, and thermodynamic stability) indicates that this missense variant is not expected to disrupt MYO3A protein function with a negative predictive value of 80%. In summary, the available evidence is currently insufficient to determine the role of this variant in disease. Therefore, it has been classified as a Variant of Uncertain Significance.

NM_017433.5(MYO3A):c.3349C>A (p.Gln1117Lys)

Gene: MYO3A (myosin IIIA; plus strand). Cytogenetic location: 10p12.1.
Variant type: single nucleotide variant.
Coding change: c.3349C>A on transcript NM_017433.5 (MANE Select); coding-DNA position 3349, C replaced by A.
Protein change: p.Gln1117Lys; replaces glutamine 1117 with lysine.
Molecular consequence: missense variant.
Genome position (GRCh38, 1-based): chr10:26,170,490, C>A. VCF-style: chr10-26170490-C-A. GRCh37 (hg19) VCF-style: chr10-26459419-C-A.
Other names: short protein forms Q1117K.
Identifiers: ClinVar variation 3624175 (VCV003624175.2).